The following is an entry in ClinVar:

ClinVar aggregate classification (germline): Uncertain significance (1 of 4 stars; one submission).

Conditions:
Peroxisome biogenesis disorder. Identifiers: Orphanet 79189, MedGen C1832200, MONDO:0019234. Disease mechanism: loss of function.

Submission:

Labcorp Genetics (formerly Invitae), Labcorp
Classification: Uncertain significance for Peroxisome biogenesis disorder. Last evaluated: 2022-02-02. Review status: criteria provided, single submitter. Criteria: Invitae Variant Classification Sherloc (09022015). Collection method: clinical testing. Allele origin: germline.
Comment: This sequence change replaces tryptophan, which is neutral and slightly polar, with arginine, which is basic and polar, at codon 104 of the PEX16 protein (p.Trp104Arg). This variant is not present in population databases (gnomAD no frequency). This variant has not been reported in the literature in individuals affected with PEX16-related conditions. Algorithms developed to predict the effect of missense changes on protein structure and function (SIFT, PolyPhen-2, Align-GVGD) all suggest that this variant is likely to be disruptive. In summary, the available evidence is currently insufficient to determine the role of this variant in disease. Therefore, it has been classified as a Variant of Uncertain Significance.

NM_004813.4(PEX16):c.310T>C (p.Trp104Arg)

Gene: PEX16 (peroxisomal biogenesis factor 16; minus strand). Cytogenetic location: 11p11.2.
Variant type: single nucleotide variant.
Coding change: c.310T>C on transcript NM_004813.4 (MANE Select); coding-DNA position 310, T replaced by C.
Protein change: p.Trp104Arg; replaces tryptophan 104 with arginine.
Molecular consequence: missense variant.
Genome position (GRCh38, 1-based): chr11:45,915,752, A>G on the plus strand (T>C on the coding strand, the complement: PEX16 is on the minus strand). VCF-style: chr11-45915752-A-G. GRCh37 (hg19) VCF-style: chr11-45937303-A-G.
Other names: c.310T>C, p.Trp104Arg (NM_057174.3); short protein forms W104R.
Identifiers: ClinVar variation 2092075 (VCV002092075.1), dbSNP rs557467152, ClinGen allele CA221590684.